The following is an entry in ClinVar:

ClinVar aggregate classification (germline): Uncertain significance (1 of 4 stars; one submission).

Submission:

Ambry Genetics
Classification: Uncertain significance. Last evaluated: 2025-05-19. Review status: criteria provided, single submitter. Criteria: Ambry Variant Classification Scheme 2023. Collection method: clinical testing. Allele origin: germline.
Comment: The p.A143P variant (also known as c.427G>C), located in coding exon 2 of the GALNT12 gene, results from a G to C substitution at nucleotide position 427. The alanine at codon 143 is replaced by proline, an amino acid with highly similar properties. This amino acid position is highly conserved in available vertebrate species. In addition, the in silico prediction for this alteration is inconclusive. Since supporting evidence is limited at this time, the clinical significance of this alteration remains unclear.

NM_024642.5(GALNT12):c.427G>C (p.Ala143Pro)

Gene: GALNT12 (polypeptide N-acetylgalactosaminyltransferase 12; plus strand). Cytogenetic location: 9q22.33.
Variant type: single nucleotide variant.
Coding change: c.427G>C on transcript NM_024642.5 (MANE Select); coding-DNA position 427, G replaced by C.
Protein change: p.Ala143Pro; replaces alanine 143 with proline.
Molecular consequence: missense variant.
Genome position (GRCh38, 1-based): chr9:98,823,311, G>C. VCF-style: chr9-98823311-G-C. GRCh37 (hg19) VCF-style: chr9-101585593-G-C.
Other names: short protein forms A143P.
Identifiers: ClinVar variation 1739338 (VCV001739338.3), dbSNP rs765088669, ClinGen allele CA374216655.
Genomic context (GRCh38, chr9:98,823,311, plus strand): 5'-TGCAGGTGCAAAGAGAAGAAATATGATTATGATAATTTGCCCAGGACATCTGTTATCATA[G>C]CATTTTATAATGAAGCCTGGTCAACTCTCCTTCGGACAGTTTACAGTGTCCTTGAGACAT-3'
Protein context (NP_078918.3, residues 133-153): DNLPRTSVII[Ala143Pro]FYNEAWSTLL